The following is an entry in ClinVar:

ClinVar aggregate classification (germline): Uncertain significance. Review status: criteria provided, multiple submitters, no conflicts (2 of 4 stars). 3 submissions from 3 submitters: Uncertain significance (3). Last evaluated 2025-04-21.

Conditions:
Ataxia-telangiectasia syndrome (AT). Also called: ATAXIA-TELANGIECTASIA, COMPLEMENTATION GROUP A; ATAXIA-TELANGIECTASIA, FRESNO VARIANT; Ataxia-telangiectasia, complementation group D; AT, COMPLEMENTATION GROUP C; Cerebello-oculocutaneous telangiectasia; Immunodeficiency with ataxia telangiectasia. Identifiers: Orphanet 100, MedGen C0004135, MONDO:0008840, OMIM 208900.
Hereditary cancer-predisposing syndrome. Also called: Hereditary neoplastic syndrome; Neoplastic Syndromes, Hereditary; Tumor predisposition; Hereditary Cancer Syndrome. Identifiers: Orphanet 140162, MedGen C0027672, MeSH D009386, MONDO:0015356.

gnomAD v4.1: 1 of 1,614,114 alleles (0.000062%); no homozygotes.

Submissions (3):

Labcorp Genetics (formerly Invitae), Labcorp
Classification: Uncertain significance for Ataxia-telangiectasia syndrome. Last evaluated: 2025-04-21. Review status: criteria provided, single submitter. Criteria: Invitae Variant Classification Sherloc (09022015). Collection method: clinical testing. Allele origin: germline.
Comment: This sequence change replaces isoleucine, which is neutral and non-polar, with asparagine, which is neutral and polar, at codon 923 of the ATM protein (p.Ile923Asn). This variant is not present in population databases (gnomAD no frequency). This variant has not been reported in the literature in individuals affected with ATM-related conditions. ClinVar contains an entry for this variant (Variation ID: 1044554). Invitae Evidence Modeling of protein sequence and biophysical properties (such as structural, functional, and spatial information, amino acid conservation, physicochemical variation, residue mobility, and thermodynamic stability) indicates that this missense variant is not expected to disrupt ATM protein function with a negative predictive value of 95%. In summary, the available evidence is currently insufficient to determine the role of this variant in disease. Therefore, it has been classified as a Variant of Uncertain Significance.

Ambry Genetics
Classification: Uncertain significance for Hereditary cancer-predisposing syndrome. Last evaluated: 2024-12-17. Review status: criteria provided, single submitter. Criteria: Ambry Variant Classification Scheme 2023. Collection method: clinical testing. Allele origin: germline.
Comment: The p.I923N variant (also known as c.2768T>A), located in coding exon 17 of the ATM gene, results from a T to A substitution at nucleotide position 2768. The isoleucine at codon 923 is replaced by asparagine, an amino acid with dissimilar properties. This amino acid position is highly conserved in available vertebrate species. In addition, the in silico prediction for this alteration is inconclusive. Based on the available evidence, the clinical significance of this variant remains unclear.

GeneDx
Classification: Uncertain significance. Last evaluated: 2022-11-15. Review status: criteria provided, single submitter. Criteria: GeneDx Variant Classification Process June 2021. Collection method: clinical testing. Allele origin: germline. Affected: yes.
Comment: Not observed at significant frequency in large population cohorts (gnomAD); In silico analysis supports that this missense variant does not alter protein structure/function; Has not been previously published as pathogenic or benign to our knowledge

NM_000051.4(ATM):c.2768T>A (p.Ile923Asn)

Gene: ATM (ATM serine/threonine kinase; plus strand). Cytogenetic location: 11q22.3.
Variant type: single nucleotide variant.
Coding change: c.2768T>A on transcript NM_000051.4 (MANE Select); coding-DNA position 2768, T replaced by A.
Protein change: p.Ile923Asn; replaces isoleucine 923 with asparagine.
Molecular consequence: missense variant.
Genome position (GRCh38, 1-based): chr11:108,268,539, T>A. VCF-style: chr11-108268539-T-A. GRCh37 (hg19) VCF-style: chr11-108139266-T-A.
Other names: c.2768T>A, p.Ile923Asn (NM_001351834.2); short protein forms I923N.
Identifiers: ClinVar variation 1044554 (VCV001044554.13), dbSNP rs2081390566, ClinGen allele CA382545509.